The following is an entry in ClinVar:

NM_006341.4(MAD2L2):c.272A>G (p.Glu91Gly)

Gene: MAD2L2 (mitotic arrest deficient 2 like 2; minus strand). Cytogenetic location: 1p36.22.
Variant type: single nucleotide variant.
Coding change: c.272A>G on transcript NM_006341.4 (MANE Select); coding-DNA position 272, A replaced by G.
Protein change: p.Glu91Gly; replaces glutamic acid 91 with glycine.
Molecular consequence: missense variant.
Genome position (GRCh38, 1-based): chr1:11,676,908, T>C on the plus strand (A>G on the coding strand, the complement: MAD2L2 is on the minus strand). VCF-style: chr1-11676908-T-C. GRCh37 (hg19) VCF-style: chr1-11736965-T-C.
Other names: c.272A>G, p.Glu91Gly (NM_001127325.2); short protein forms E91G.
Identifiers: ClinVar variation 2128959 (VCV002128959.4), dbSNP rs751276389, ClinGen allele CA593807.

ClinVar aggregate classification (germline): Uncertain significance (1 of 4 stars; one submission).

Allele frequency attached by ClinVar (database versions not stated): ExAC 0.00001; TOPMed 0.00002; gnomAD exomes 0.00002; gnomAD 0.00001.
gnomAD v4.1: 29 of 1,613,974 alleles (0.0018%); highest among the groups gnomAD compares: Non-Finnish European, 0.0022%; no homozygotes.

Submission:

Labcorp Genetics (formerly Invitae), Labcorp
Classification: Uncertain significance. Last evaluated: 2025-10-26. Review status: criteria provided, single submitter. Criteria: Invitae Variant Classification Sherloc (09022015). Collection method: clinical testing. Allele origin: germline.
Comment: This sequence change replaces glutamic acid, which is acidic and polar, with glycine, which is neutral and non-polar, at codon 91 of the MAD2L2 protein (p.Glu91Gly). This variant is present in population databases (rs751276389, gnomAD 0.004%). This variant has not been reported in the literature in individuals affected with MAD2L2-related conditions. ClinVar contains an entry for this variant (Variation ID: 2128959). An algorithm developed to predict the effect of missense changes on protein structure and function (PolyPhen-2) suggests that this variant is likely to be tolerated. In summary, the available evidence is currently insufficient to determine the role of this variant in disease. Therefore, it has been classified as a Variant of Uncertain Significance.